The following is an entry in ClinVar:

NM_001184.4(ATR):c.7252T>G (p.Ser2418Ala)

Gene: ATR (ATR checkpoint kinase; minus strand). Cytogenetic location: 3q23.
Variant type: single nucleotide variant.
Coding change: c.7252T>G on transcript NM_001184.4 (MANE Select); coding-DNA position 7252, T replaced by G.
Protein change: p.Ser2418Ala; replaces serine 2418 with alanine.
Molecular consequence: missense variant.
Genome position (GRCh38, 1-based): chr3:142,459,324, A>C on the plus strand (T>G on the coding strand, the complement: ATR is on the minus strand). VCF-style: chr3-142459324-A-C. GRCh37 (hg19) VCF-style: chr3-142178166-A-C.
Other names: c.7060T>G, p.Ser2354Ala (NM_001354579.2); short protein forms S2354A, S2418A.
Identifiers: ClinVar variation 1757929 (VCV001757929.5), dbSNP rs2108261792, ClinGen allele CA354797774.

ClinVar aggregate classification (germline): Uncertain significance. Review status: criteria provided, multiple submitters, no conflicts (2 of 4 stars). 2 submissions from 2 submitters: Uncertain significance (2). Last evaluated 2022-11-13.

Conditions:
Inborn genetic diseases. Identifiers: MedGen C0950123, MeSH D030342.

Allele frequency attached by ClinVar (database versions not stated): gnomAD exomes below 0.00001.
gnomAD v4.1: 1 of 1,614,036 alleles (0.000062%); highest among the groups gnomAD compares: South Asian, 0.0011%; no homozygotes.

Submissions (2):

Labcorp Genetics (formerly Invitae), Labcorp
Classification: Uncertain significance. Last evaluated: 2022-11-13. Review status: criteria provided, single submitter. Criteria: Invitae Variant Classification Sherloc (09022015). Collection method: clinical testing. Allele origin: germline.
Comment: This sequence change replaces serine, which is neutral and polar, with alanine, which is neutral and non-polar, at codon 2418 of the ATR protein (p.Ser2418Ala). This variant is not present in population databases (gnomAD no frequency). This variant has not been reported in the literature in individuals affected with ATR-related conditions. Algorithms developed to predict the effect of missense changes on protein structure and function output the following: SIFT: "Tolerated"; PolyPhen-2: "Benign"; Align-GVGD: "Class C0". The alanine amino acid residue is found in multiple mammalian species, which suggests that this missense change does not adversely affect protein function. In summary, the available evidence is currently insufficient to determine the role of this variant in disease. Therefore, it has been classified as a Variant of Uncertain Significance.

Ambry Genetics
Classification: Uncertain significance for Inborn genetic diseases. Last evaluated: 2022-09-20. Review status: criteria provided, single submitter. Criteria: Ambry Variant Classification Scheme 2023. Collection method: clinical testing. Allele origin: germline.
Comment: The p.S2418A variant (also known as c.7252T>G), located in coding exon 43 of the ATR gene, results from a T to G substitution at nucleotide position 7252. The serine at codon 2418 is replaced by alanine, an amino acid with similar properties. This amino acid position is conserved. In addition, this alteration is predicted to be tolerated by in silico analysis. Since supporting evidence is limited at this time, the clinical significance of this alteration remains unclear.